The following is an entry in ClinVar:

ClinVar aggregate classification (germline): Likely pathogenic (1 of 4 stars; one submission).

Conditions:
Familial cancer of breast. Also called: BREAST CANCER, FAMILIAL; Hereditary breast cancer; hereditary breast carcinoma. Identifiers: Orphanet 227535, MedGen C0346153, MONDO:0016419, OMIM 114480. Disease mechanism: loss of function.

Submission:

Labcorp Genetics (formerly Invitae), Labcorp
Classification: Likely pathogenic for Familial cancer of breast. Last evaluated: 2019-04-22. Review status: criteria provided, single submitter. Criteria: Invitae Variant Classification Sherloc (09022015). Collection method: clinical testing. Allele origin: germline.
Comment: This variant is an in-frame deletion of the genomic region encompassing exon 10 of the PALB2 gene. It preserves the integrity of the reading frame. In summary, the currently available evidence indicates that the variant is pathogenic, but additional data are needed to prove that conclusively. Therefore, this variant has been classified as Likely Pathogenic. This variant disrupts a portion of the WD40 domain of the PALB2 protein (residues 1000-1038), which may be essential for the interaction with the BRCA2 protein (interaction residues 1010-1109) (PMID: 19609323, 19423707, 30638972). While functional studies have not been performed to directly test the effects of this variant on PALB2 protein function,¬†this suggests that disruption of this region of the protein may abolish its DNA repair function. This variant has not been reported in the literature in individuals with PALB2-related conditions.

Literature cited by the submitters: PubMed 19609323; PubMed 19423707; PubMed 30638972.

NC_000016.10:g.(?_23621352)_(23621488_?)del

Gene: PALB2 (partner and localizer of BRCA2; minus strand). Cytogenetic location: 16p12.2.
Variant type: Deletion.
Identifiers: ClinVar variation 831886 (VCV000831886.6).